The following is an entry in ClinVar:

NM_003482.4(KMT2D):c.12992C>A (p.Pro4331His)

Gene: KMT2D (lysine methyltransferase 2D; minus strand). Cytogenetic location: 12q13.12.
Variant type: single nucleotide variant.
Coding change: c.12992C>A on transcript NM_003482.4 (MANE Select); coding-DNA position 12992, C replaced by A.
Protein change: p.Pro4331His; replaces proline 4331 with histidine.
Molecular consequence: missense variant.
Genome position (GRCh38, 1-based): chr12:49,031,713, G>T on the plus strand (C>A on the coding strand, the complement: KMT2D is on the minus strand). VCF-style: chr12-49031713-G-T. GRCh37 (hg19) VCF-style: chr12-49425496-G-T.
Other names: short protein forms P4331H.
Identifiers: ClinVar variation 1709972 (VCV001709972.2), dbSNP rs2120423205, ClinGen allele CA384708096.

ClinVar aggregate classification (germline): Uncertain significance (1 of 4 stars; one submission).

Conditions:
Kabuki syndrome 1 (KABUK1). Also called: KMT2D-Related Kabuki Syndrome. Identifiers: Orphanet 2322, MedGen CN030661, MONDO:0007843, OMIM 147920.

Submission:

MGZ Medical Genetics Center
Classification: Uncertain significance for Kabuki syndrome 1. Last evaluated: 2022-05-02. Review status: criteria provided, single submitter. Criteria: ACMG Guidelines, 2015. Collection method: clinical testing. Allele origin: germline. Affected: yes. Observed: 1 variant allele.
Comment: ACMG criteria applied: PM2_SUP, PP2, BP4